The following is an entry in ClinVar:

NM_004994.3(MMP9):c.893C>G (p.Ser298Cys)

Gene: MMP9 (matrix metallopeptidase 9; plus strand). Cytogenetic location: 20q13.12.
Variant type: single nucleotide variant.
Coding change: c.893C>G on transcript NM_004994.3 (MANE Select); coding-DNA position 893, C replaced by G.
Protein change: p.Ser298Cys; replaces serine 298 with cysteine.
Molecular consequence: missense variant.
Genome position (GRCh38, 1-based): chr20:46,011,643, C>G. VCF-style: chr20-46011643-C-G. GRCh37 (hg19) VCF-style: chr20-44640282-C-G.
Other names: short protein forms S298C.
Identifiers: ClinVar variation 2993952 (VCV002993952.3), dbSNP rs201130620, ClinGen allele CA9886556.

ClinVar aggregate classification (germline): Uncertain significance (1 of 4 stars; one submission).

Allele frequency attached by ClinVar (database versions not stated): gnomAD 0.00003; gnomAD exomes 0.00004; ExAC 0.00010.
gnomAD v4.1: 60 of 1,613,938 alleles (0.0037%); highest among the groups gnomAD compares: South Asian, 0.063%; no homozygotes.

Submission:

Labcorp Genetics (formerly Invitae), Labcorp
Classification: Uncertain significance. Last evaluated: 2024-12-28. Review status: criteria provided, single submitter. Criteria: Invitae Variant Classification Sherloc (09022015). Collection method: clinical testing. Allele origin: germline.
Comment: This sequence change replaces serine, which is neutral and polar, with cysteine, which is neutral and slightly polar, at codon 298 of the MMP9 protein (p.Ser298Cys). This variant is present in population databases (rs201130620, gnomAD 0.06%), and has an allele count higher than expected for a pathogenic variant. This variant has not been reported in the literature in individuals affected with MMP9-related conditions. ClinVar contains an entry for this variant (Variation ID: 2993952). Invitae Evidence Modeling of protein sequence and biophysical properties (such as structural, functional, and spatial information, amino acid conservation, physicochemical variation, residue mobility, and thermodynamic stability) indicates that this missense variant is not expected to disrupt MMP9 protein function with a negative predictive value of 80%. In summary, the available evidence is currently insufficient to determine the role of this variant in disease. Therefore, it has been classified as a Variant of Uncertain Significance.